The following is an entry in ClinVar:

NM_000138.5(FBN1):c.5219_5224+1dup

Gene: FBN1 (fibrillin 1; minus strand). Cytogenetic location: 15q21.1.
Variant type: Duplication.
Coding change: c.5219_5224+1dup on transcript NM_000138.5 (MANE Select); coding-DNA position 5219 through the canonical splice donor site of the intron after coding-DNA position 5224, 7 bases duplicated (GTACAGG; older notation c.5219_5224+1dupGTACAGG).
Molecular consequence: splice donor variant.
Genome position (GRCh38, 1-based): chr15:48,463,081-48,463,087, CCTGTAC duplicated on the plus strand (GTACAGG on the coding strand, the reverse complement: FBN1 is on the minus strand). VCF-style (leftmost placement, unchanged base first): chr15-48463080-A-ACCTGTAC. GRCh37 (hg19) VCF-style: chr15-48755277-A-ACCTGTAC.
Other names: c.5219_5224+1dupGTACAGG (NM_000138.4).
Identifiers: ClinVar variation 418868 (VCV000418868.1), dbSNP rs1555396754, ClinGen allele CA16619953.

ClinVar aggregate classification (germline): Pathogenic (1 of 4 stars; one submission).

Submission:

GeneDx
Classification: Pathogenic. Last evaluated: 2015-04-07. Review status: criteria provided, single submitter. Criteria: GeneDx Variant Classification (06012015). Collection method: clinical testing. Allele origin: germline. Affected: yes.
Comment: Although the c.5219_5224+1dupGTACAGG duplication has not been reported as a pathogenic variantor as a benign polymorphism to our knowledge. This variant damages the canonical splice donor site inintron 42 and is predicted to lead to either an abnormal message that is subject to nonsense-mediatedmRNA decay, or to an abnormal protein product if the message is used for protein translation. Other splicesite variants in the FBN1 gene have been reported in HGMD in association with Marfan syndrome(Stenson P et al., 2014). Additionally, the c.5219_5224+1dupGTACAGG duplication was not observed inapproximately 6,500 individuals of European and African American ancestry in the NHLBI ExomeSequencing Project, indicating it is not a common benign variant in these populations.Therefore, we interpret c.5219_5224+1dupGTACAGG as a pathogenic variant.